The following is an entry in ClinVar:

ClinVar aggregate classification (germline): Likely benign. Review status: criteria provided, multiple submitters, no conflicts (2 of 4 stars). 2 submissions from 2 submitters: Likely benign (2). Last evaluated 2026-06-01.

Allele frequency attached by ClinVar (database versions not stated): gnomAD 0.00001; TOPMed 0.00002.

Submissions (2):

CeGaT Center for Human Genetics Tuebingen
Classification: Likely benign. Last evaluated: 2026-06-01. Review status: criteria provided, single submitter. Criteria: CeGaT Center For Human Genetics Tuebingen Variant Classification Criteria Version 2. Collection method: clinical testing. Allele origin: germline. Affected: yes. Observed: 1 variant allele.
Comment: COL4A1: BP4, BP7

Labcorp Genetics (formerly Invitae), Labcorp
Classification: Likely benign. Last evaluated: 2025-04-17. Review status: criteria provided, single submitter. Criteria: Invitae Variant Classification Sherloc (09022015). Collection method: clinical testing. Allele origin: germline.

NM_001845.6(COL4A1):c.1773T>C (p.Val591=)

Gene: COL4A1 (collagen type IV alpha 1 chain; minus strand). Cytogenetic location: 13q34.
Variant type: single nucleotide variant.
Coding change: c.1773T>C on transcript NM_001845.6 (MANE Select); coding-DNA position 1773, T replaced by C.
Protein change: p.Val591=; no amino-acid change (valine 591 retained).
Molecular consequence: synonymous variant.
Genome position (GRCh38, 1-based): chr13:110,186,509, A>G on the plus strand (T>C on the coding strand, the complement: COL4A1 is on the minus strand). VCF-style: chr13-110186509-A-G. GRCh37 (hg19) VCF-style: chr13-110838856-A-G.
Identifiers: ClinVar variation 2082866 (VCV002082866.6), dbSNP rs1017470397, ClinGen allele CA256264990.